The following is an entry in ClinVar:

ClinVar aggregate classification (germline): Likely benign (1 of 4 stars; one submission).

Conditions:
Familial hypoparathyroidism. Also called: Familial isolated hypoparathyroidism. Identifiers: Orphanet 2238, MedGen C1832648, MONDO:0016390.

Allele frequency attached by ClinVar (database versions not stated): gnomAD 0.00192 and 0.00205; TOPMed 0.00219; 1000 Genomes Project 0.00220; 1000 Genomes Project 30x 0.00234.

Submission:

Illumina Laboratory Services, Illumina
Classification: Likely benign for Hypoparathyroidism, familial isolated 1. Last evaluated: 2018-01-13. Review status: criteria provided, single submitter. Criteria: ICSL Variant Classification Criteria 13 December 2019. Collection method: clinical testing. Allele origin: germline.
Comment: This variant was observed in the ICSL laboratory as part of a predisposition screen in an ostensibly healthy population. It had not been previously curated by ICSL or reported in the Human Gene Mutation Database (HGMD: prior to June 1st, 2018), and was therefore a candidate for classification through an automated scoring system. Utilizing variant allele frequency, disease prevalence and penetrance estimates, and inheritance mode, an automated score was calculated to assess if this variant is too frequent to cause the disease. Based on the score and internal cut-off values, a variant classified as likely benign is not then subjected to further curation. The score for this variant resulted in a classification of likely benign for this disease.

NM_004752.4(GCM2):c.*643A>T

Gene: GCM2 (glial cells missing transcription factor 2; minus strand). Cytogenetic location: 6p24.2.
Variant type: single nucleotide variant.
Coding change: c.*643A>T on transcript NM_004752.4 (MANE Select); 643 bases downstream of the stop codon, A replaced by T.
Molecular consequence: 3 prime UTR variant.
Genome position (GRCh38, 1-based): chr6:10,873,352, T>A on the plus strand (A>T on the coding strand, the complement: GCM2 is on the minus strand). VCF-style: chr6-10873352-T-A. GRCh37 (hg19) VCF-style: chr6-10873585-T-A.
Identifiers: ClinVar variation 906828 (VCV000906828.4), dbSNP rs149605763, ClinGen allele CA134128844.
Genomic context (GRCh38, chr6:10,873,352, plus strand): 5'-GGTAATCCATTAAATACAACTCATCATTGTTAGGCTGTCTCTGTTATGGAAACTATCATG[T>A]TATGAAAAGGTTATGAAAAGGTTAGGAAACTATCATGTTATGAAAAGCTAATATTGAATC-3'